The following is an entry in ClinVar:

ClinVar aggregate classification (germline): Uncertain significance (1 of 4 stars; one submission).

Conditions:
Autosomal dominant omodysplasia. Identifiers: Orphanet 2733, Orphanet 93328, MedGen C2750355, MONDO:0008123, OMIM 164745.

Submission:

Clinical Genomics Laboratory, Washington University in St. Louis
Classification: Uncertain significance for Autosomal dominant omodysplasia. Last evaluated: 2024-12-26. Review status: criteria provided, single submitter. Criteria: ACMG Guidelines, 2015. Collection method: clinical testing. Allele origin: germline.
Comment: The FZD2 c.1324C>T (p.Arg442Cys) variant, to our knowledge, has not been reported in the medical literature. This variant is absent from the general population (gnomAD v.2.1.1), indicating it is not a common variant. Computational predictors indicate that the variant is damaging, evidence that correlates with impact to FZD2 function. Due to limited information, and based on ACMG/AMP guidelines for variant interpretation (Richards S et al., PMID: 25741868), the clinical significance of this variant is uncertain at this time.

NM_001466.4(FZD2):c.1324C>T (p.Arg442Cys)

Gene: FZD2 (frizzled class receptor 2; plus strand). Cytogenetic location: 17q21.31.
Variant type: single nucleotide variant.
Coding change: c.1324C>T on transcript NM_001466.4 (MANE Select); coding-DNA position 1324, C replaced by T.
Protein change: p.Arg442Cys; replaces arginine 442 with cysteine.
Molecular consequence: missense variant.
Genome position (GRCh38, 1-based): chr17:44,559,012, C>T. VCF-style: chr17-44559012-C-T. GRCh37 (hg19) VCF-style: chr17-42636380-C-T.
Other names: short protein forms R442C.
Identifiers: ClinVar variation 3600365 (VCV003600365.1).